The following is an entry in ClinVar:

ClinVar aggregate classification (germline): Uncertain significance (1 of 4 stars; one submission).

Conditions:
Deficiency of butyryl-CoA dehydrogenase (ACADSD). Also called: SCADH DEFICIENCY; SCAD Deficiency; SCAD DEFICIENCY, MILD; ACYL-CoA DEHYDROGENASE, SHORT-CHAIN, DEFICIENCY OF; ACADS DEFICIENCY; Short-Chain Acyl-CoA Dehydrogenase Deficiency. Identifiers: Orphanet 26792, MedGen C0342783, MONDO:0008722, OMIM 201470. Disease mechanism: May be benign.

gnomAD v4.1: 47 of 1,613,832 alleles (0.0029%); highest among the groups gnomAD compares: Non-Finnish European, 0.004%; no homozygotes.

Submission:

Labcorp Genetics (formerly Invitae), Labcorp
Classification: Uncertain significance for Deficiency of butyryl-CoA dehydrogenase. Last evaluated: 2025-11-24. Review status: criteria provided, single submitter. Criteria: Invitae Variant Classification Sherloc (09022015). Collection method: clinical testing. Allele origin: germline.
Comment: This sequence change replaces serine, which is neutral and polar, with cysteine, which is neutral and slightly polar, at codon 121 of the ACADS protein (p.Ser121Cys). This variant is present in population databases (rs372873554, gnomAD 0.003%). This variant has not been reported in the literature in individuals affected with ACADS-related conditions. An algorithm developed to predict the effect of missense changes on protein structure and function (PolyPhen-2) suggests that this variant is likely to be disruptive. In summary, the available evidence is currently insufficient to determine the role of this variant in disease. Therefore, it has been classified as a Variant of Uncertain Significance.

NM_000017.4(ACADS):c.362C>G (p.Ser121Cys)

Gene: ACADS (acyl-CoA dehydrogenase short chain; plus strand). Cytogenetic location: 12q24.31.
Variant type: single nucleotide variant.
Coding change: c.362C>G on transcript NM_000017.4 (MANE Select); coding-DNA position 362, C replaced by G.
Protein change: p.Ser121Cys; replaces serine 121 with cysteine.
Molecular consequence: missense variant.
Genome position (GRCh38, 1-based): chr12:120,737,357, C>G. VCF-style: chr12-120737357-C-G. GRCh37 (hg19) VCF-style: chr12-121175160-C-G.
Other names: c.362C>G, p.Ser121Cys (NM_001302554.2); short protein forms S121C.
Identifiers: ClinVar variation 4749587 (VCV004749587.1).
Genomic context (GRCh38, chr12:120,737,357, plus strand): 5'-CAGGTGGGCAGGATGCGCCTGGGCCTGGGGCCTCCGACCGCTCCCCGCTGTCCTCCTAGT[C>G]TCTCTACCTGGGGCCCATCTTGAAGTTTGGCTCCAAGGAGCAGAAGCAGGCGTGGGTCAC-3'
Protein context (NP_000008.1, residues 111-131): STGVIMSVNN[Ser121Cys]LYLGPILKFG